The following is an entry in ClinVar:

NM_021831.6(AGBL5):c.460G>A (p.Ala154Thr)

Gene: AGBL5 (AGBL carboxypeptidase 5; plus strand). Cytogenetic location: 2p23.3.
Variant type: single nucleotide variant.
Coding change: c.460G>A on transcript NM_021831.6 (MANE Select); coding-DNA position 460, G replaced by A.
Protein change: p.Ala154Thr; replaces alanine 154 with threonine.
Molecular consequence: missense variant. On other transcripts: non-coding transcript variant (2).
Genome position (GRCh38, 1-based): chr2:27,053,968, G>A. VCF-style: chr2-27053968-G-A. GRCh37 (hg19) VCF-style: chr2-27276836-G-A.
Other names: c.460G>A, p.Ala154Thr (NM_001035507.3); short protein forms A154T.
Identifiers: ClinVar variation 938853 (VCV000938853.9), dbSNP rs766150855, ClinGen allele CA1567641.
Genomic context (GRCh38, chr2:27,053,968, plus strand): 5'-CAGTTTGTGTTATCCTTTGTTCATCGTTTCGTGGAGGGCCGTGGGGCCACCACCTTCTTC[G>A]CCTTCTGCTACCCCTTCTCCTACAGTGACTGCCAGGAACTGCTAAACCAGCTAGACCAGC-3'
Protein context (NP_068603.4, residues 144-164): VEGRGATTFF[Ala154Thr]FCYPFSYSDC

ClinVar aggregate classification (germline): Uncertain significance (1 of 4 stars; one submission).

Allele frequency attached by ClinVar (database versions not stated): gnomAD exomes below 0.00001; ExAC 0.00001.

Submission:

Labcorp Genetics (formerly Invitae), Labcorp
Classification: Uncertain significance. Last evaluated: 2020-07-02. Review status: criteria provided, single submitter. Criteria: Invitae Variant Classification Sherloc (09022015). Collection method: clinical testing. Allele origin: germline.
Comment: Algorithms developed to predict the effect of missense changes on protein structure and function are either unavailable or do not agree on the potential impact of this missense change (SIFT: "Tolerated"; PolyPhen-2: "Possibly Damaging"; Align-GVGD: "Class C0"). In summary, the available evidence is currently insufficient to determine the role of this variant in disease. Therefore, it has been classified as a Variant of Uncertain Significance. This variant has not been reported in the literature in individuals with AGBL5-related conditions. This sequence change replaces alanine with threonine at codon 154 of the AGBL5 protein (p.Ala154Thr). The alanine residue is moderately conserved and there is a small physicochemical difference between alanine and threonine. This variant is present in population databases (rs766150855, ExAC 0.001%).